The following is an entry in ClinVar:

ClinVar aggregate classification (germline): Likely benign. Review status: criteria provided, multiple submitters, no conflicts (2 of 4 stars). 2 submissions from 2 submitters: Likely benign (2). Last evaluated 2024-04-16.

Conditions:
Catecholaminergic polymorphic ventricular tachycardia (CVPT). Also called: Catecholamine-induced polymorphic ventricular tachycardia. Identifiers: Orphanet 3286, MedGen C5574922, MONDO:0017990.
Cardiomyopathy (CMYO). Also called: Cardiomyopathies. Identifiers: Orphanet 167848, MedGen C0878544, MONDO:0004994, HP:0001638. Inheritance: Various modes of inheritance.

Allele frequency attached by ClinVar (database versions not stated): gnomAD exomes below 0.00001.

Submissions (2):

All of Us Research Program, National Institutes of Health
Classification: Likely benign for Catecholaminergic polymorphic ventricular tachycardia. Last evaluated: 2024-04-16. Review status: criteria provided, single submitter. Criteria: ACMG Guidelines, 2015. Collection method: clinical testing. Allele origin: germline. Inheritance: Autosomal dominant inheritance. Observed: 1 variant allele, 1 heterozygote.
Comment: This study involves interpretation of variants in research participants for the purpose of population health screening. Participant phenotype was not available at the time of variant classification. Additional details can be found in publication PMID: 35346344, PMCID: PMC8962531

Color Diagnostics, LLC DBA Color Health
Classification: Likely benign for Cardiomyopathy. Last evaluated: 2019-08-19. Review status: criteria provided, single submitter. Criteria: ACMG Guidelines, 2015. Collection method: clinical testing. Allele origin: germline.

NM_001035.3(RYR2):c.588T>C (p.Tyr196=)

Gene: RYR2 (ryanodine receptor 2; plus strand). Cytogenetic location: 1q43.
Variant type: single nucleotide variant.
Coding change: c.588T>C on transcript NM_001035.3 (MANE Select); coding-DNA position 588, T replaced by C.
Protein change: p.Tyr196=; no amino-acid change (tyrosine 196 retained).
Molecular consequence: synonymous variant.
Genome position (GRCh38, 1-based): chr1:237,387,292, T>C. VCF-style: chr1-237387292-T-C. GRCh37 (hg19) VCF-style: chr1-237550592-T-C.
Identifiers: ClinVar variation 925076 (VCV000925076.3), dbSNP rs1702022430, ClinGen allele CA423809216.